The following is an entry in ClinVar:

NM_001040142.2(SCN2A):c.3425A>G (p.Glu1142Gly)

Gene: SCN2A (sodium voltage-gated channel alpha subunit 2; plus strand). Cytogenetic location: 2q24.3.
Variant type: single nucleotide variant.
Coding change: c.3425A>G on transcript NM_001040142.2 (MANE Select); coding-DNA position 3425, A replaced by G.
Protein change: p.Glu1142Gly; replaces glutamic acid 1142 with glycine.
Molecular consequence: missense variant.
Genome position (GRCh38, 1-based): chr2:165,365,168, A>G. VCF-style: chr2-165365168-A-G. GRCh37 (hg19) VCF-style: chr2-166221678-A-G.
Other names: c.3425A>G, p.Glu1142Gly (NM_001040143.2, NM_001371246.1, NM_001371247.1 and 1 more transcripts); short protein forms E1142G.
Identifiers: ClinVar variation 4527897 (VCV004527897.1).

ClinVar aggregate classification (germline): Uncertain significance (1 of 4 stars; one submission).

Submission:

GeneDx
Classification: Uncertain significance. Last evaluated: 2025-05-08. Review status: criteria provided, single submitter. Criteria: GeneDx Variant Classification Process June 2021. Collection method: clinical testing. Allele origin: germline. Affected: yes.
Comment: Not observed at significant frequency in large population cohorts (gnomAD); In silico analysis supports that this missense variant has a deleterious effect on protein structure/function; Has not been previously published as pathogenic or benign to our knowledge; This substitution is predicted to be in the cytoplasmic loop between the second and third homologous domains